The following is an entry in ClinVar:

ClinVar aggregate classification (germline): Uncertain significance (1 of 4 stars; one submission).

Allele frequency attached by ClinVar (database versions not stated): gnomAD exomes below 0.00001.
gnomAD v4.1: 1 of 1,609,502 alleles (0.000062%); highest among the groups gnomAD compares: Non-Finnish European, 0.000085%; no homozygotes.

Submission:

Laboratorio de Genetica e Diagnostico Molecular, Hospital Israelita Albert Einstein
Classification: Uncertain significance. Last evaluated: 2022-01-12. Review status: criteria provided, single submitter. Criteria: ACMG Guidelines, 2015. Collection method: clinical testing. Allele origin: germline. Affected: yes.
Comment: ACMG classification criteria: PM2

NM_198904.4(GABRG2):c.1129-7C>T

Gene: GABRG2 (gamma-aminobutyric acid type A receptor subunit gamma2; plus strand). Cytogenetic location: 5q34.
Variant type: single nucleotide variant.
Coding change: c.1129-7C>T on transcript NM_198904.4 (MANE Select); 7 bases into the intron before coding-DNA position 1129, C replaced by T.
Molecular consequence: intron variant.
Genome position (GRCh38, 1-based): chr5:162,151,723, C>T. VCF-style: chr5-162151723-C-T. GRCh37 (hg19) VCF-style: chr5-161578729-C-T.
Other names: c.844-1370C>T (NM_001375349.1); c.1249-1370C>T (NM_001375343.1); c.1168-7C>T (NM_001375344.1); c.923-7C>T (NM_001375340.1); c.1126-7C>T (NM_001375341.1); c.1126-1370C>T (NM_001375342.1); c.709-7C>T (NM_001375350.1); c.709-1370C>T (NM_001375348.1); and 6 more.
Identifiers: ClinVar variation 1690538 (VCV001690538.2), dbSNP rs2113644476, ClinGen allele CA2573139375.
Genomic context (GRCh38, chr5:162,151,723, plus strand): 5'-TTTTCATTTTTTTTCTCCTTTTTATTAAAAACAAATGCAATTCTCTTTTCTGTCTACAAA[C>T]CCAAAGCTTCTTCGGATGTTTTCCTTCAAGGTATAATGTTTTTGGAATGGAAATTCACTG-3'